The following is an entry in ClinVar:

ClinVar aggregate classification (germline): Likely pathogenic (1 of 4 stars; one submission).

gnomAD v4.1: 1 of 1,558,586 alleles (0.000064%); highest among the groups gnomAD compares: Non-Finnish European, 0.000087%; no homozygotes.

Submission:

Labcorp Genetics (formerly Invitae), Labcorp
Classification: Likely pathogenic. Last evaluated: 2022-07-20. Review status: criteria provided, single submitter. Criteria: Invitae Variant Classification Sherloc (09022015). Collection method: clinical testing. Allele origin: germline.
Comment: This sequence change replaces serine, which is neutral and polar, with arginine, which is basic and polar, at codon 28 of the SLC26A4 protein (p.Ser28Arg). This variant is not present in population databases (gnomAD no frequency). A different variant (c.84C>A) giving rise to the same protein effect has been determined to be pathogenic (PMID: 11919333, 15679828, 16570074, 16791000, 18310264, 24224479, 29739340). This suggests that this variant is also likely to be causative of disease. Algorithms developed to predict the effect of missense changes on protein structure and function are either unavailable or do not agree on the potential impact of this missense change (SIFT: "Deleterious"; PolyPhen-2: "Benign"; Align-GVGD: "Class C0"). In summary, the currently available evidence indicates that the variant is pathogenic, but additional data are needed to prove that conclusively. Therefore, this variant has been classified as Likely Pathogenic.

Literature cited by the submitters: PubMed 11919333; PubMed 15679828; PubMed 16570074; PubMed 16791000; PubMed 18310264; PubMed 24224479; PubMed 29739340.

NM_000441.2(SLC26A4):c.84C>G (p.Ser28Arg)

Genes: SLC26A4-AS1 (SLC26A4 antisense RNA 1; minus strand), SLC26A4 (solute carrier family 26 member 4; plus strand). Cytogenetic location: 7q22.3.
Variant type: single nucleotide variant.
Coding change: c.84C>G on transcript NM_000441.2 (MANE Select); coding-DNA position 84, C replaced by G.
Protein change: p.Ser28Arg; replaces serine 28 with arginine.
Molecular consequence: missense variant. On other transcripts: non-coding transcript variant (1).
Genome position (GRCh38, 1-based): chr7:107,661,725, C>G. VCF-style: chr7-107661725-C-G. GRCh37 (hg19) VCF-style: chr7-107302170-C-G.
Other names: short protein forms S28R.
Identifiers: ClinVar variation 2018278 (VCV002018278.4), dbSNP rs539699299, ClinGen allele CA164207259.
Genomic context (GRCh38, chr7:107,661,725, plus strand): 5'-GGAGCCGCCGCAGCTCCCCGAGTACAGCTGCAGCTACATGGTGTCGCGGCCGGTCTACAG[C>G]GAGCTCGCTTTCCAGCAACAGCACGAGCGGCGCCTGCAGGAGCGCAAGACGCTGCGGGAG-3'
Protein context (NP_000432.1, residues 18-38): CSYMVSRPVY[Ser28Arg]ELAFQQQHER